The following is an entry in ClinVar:

ClinVar aggregate classification (germline): Uncertain significance (0 of 4 stars; one submission).

Conditions:
RAI1-related disorder. Also called: RAI1-related condition.

Submission:

PreventionGenetics, part of Exact Sciences
Classification: Uncertain significance for RAI1-related condition. Last evaluated: 2024-03-06. Review status: no assertion criteria provided. Collection method: clinical testing. Allele origin: germline.
Comment: The RAI1 c.3588G>C variant is predicted to result in the amino acid substitution p.Glu1196Asp. To our knowledge, this variant has not been reported in the literature or in a large population database, indicating this variant is rare. At this time, the clinical significance of this variant is uncertain due to the absence of conclusive functional and genetic evidence.

NM_030665.4(RAI1):c.3588G>C (p.Glu1196Asp)

Gene: RAI1 (retinoic acid induced 1; plus strand). Cytogenetic location: 17p11.2.
Variant type: single nucleotide variant.
Coding change: c.3588G>C on transcript NM_030665.4 (MANE Select); coding-DNA position 3588, G replaced by C.
Protein change: p.Glu1196Asp; replaces glutamic acid 1196 with aspartic acid.
Molecular consequence: missense variant.
Genome position (GRCh38, 1-based): chr17:17,796,536, G>C. VCF-style: chr17-17796536-G-C. GRCh37 (hg19) VCF-style: chr17-17699850-G-C.
Other names: short protein forms E1196D.
Identifiers: ClinVar variation 3356462 (VCV003356462.1).